The following is an entry in ClinVar:

NM_005585.5(SMAD6):c.1156A>G (p.Lys386Glu)

Gene: SMAD6 (SMAD family member 6; plus strand). Cytogenetic location: 15q22.31.
Variant type: single nucleotide variant.
Coding change: c.1156A>G on transcript NM_005585.5 (MANE Select); coding-DNA position 1156, A replaced by G.
Protein change: p.Lys386Glu; replaces lysine 386 with glutamic acid.
Molecular consequence: missense variant. On other transcripts: non-coding transcript variant (1).
Genome position (GRCh38, 1-based): chr15:66,781,200, A>G. VCF-style: chr15-66781200-A-G. GRCh37 (hg19) VCF-style: chr15-67073538-A-G.
Other names: short protein forms K386E.
Identifiers: ClinVar variation 3445890 (VCV003445890.1).
Genomic context (GRCh38, chr15:66,781,200, plus strand): 5'-TTCTGCCTGGGCCAGCTCAACCTGGAGCAGCGCAGCGAGTCGGTGCGGCGAACGCGCAGC[A>G]AGATCGGCTTCGGCATCCTGCTCAGCAAGGAGCCCGACGGCGTGTGGGCCTACAACCGCG-3'
Protein context (NP_005576.3, residues 376-396): RSESVRRTRS[Lys386Glu]IGFGILLSKE

ClinVar aggregate classification (germline): Uncertain significance (1 of 4 stars; one submission).

Conditions:
Inborn genetic diseases. Identifiers: MedGen C0950123, MeSH D030342.

gnomAD v4.1: 1 of 1,608,474 alleles (0.000062%); highest among the groups gnomAD compares: Non-Finnish European, 0.000085%; no homozygotes.

Submission:

Ambry Genetics
Classification: Uncertain significance for Inborn genetic diseases. Last evaluated: 2024-07-24. Review status: criteria provided, single submitter. Criteria: Ambry Variant Classification Scheme 2023. Collection method: clinical testing. Allele origin: germline.
Comment: The p.K386E variant (also known as c.1156A>G), located in coding exon 4 of the SMAD6 gene, results from an A to G substitution at nucleotide position 1156. The lysine at codon 386 is replaced by glutamic acid, an amino acid with similar properties. This amino acid position is conserved. In addition, this alteration is predicted to be deleterious by in silico analysis. Based on the available evidence, the clinical significance of this variant remains unclear.